The following is an entry in ClinVar:

NM_207421.4(PADI6):c.1851+9C>T

Gene: PADI6 (peptidyl arginine deiminase 6; plus strand). Cytogenetic location: 1p36.13.
Variant type: single nucleotide variant.
Coding change: c.1851+9C>T on transcript NM_207421.4 (MANE Select); 9 bases into the intron after coding-DNA position 1851, C replaced by T.
Molecular consequence: intron variant.
Genome position (GRCh38, 1-based): chr1:17,398,856, C>T. VCF-style: chr1-17398856-C-T. GRCh37 (hg19) VCF-style: chr1-17725352-C-T.
Identifiers: ClinVar variation 3057573 (VCV003057573.2), dbSNP rs368012608, ClinGen allele CA641925.

ClinVar aggregate classification (germline): Likely benign (0 of 4 stars; one submission).

Conditions:
PADI6-related disorder. Also called: PADI6-related condition.

Allele frequency attached by ClinVar (database versions not stated): gnomAD 0.00007; ESP Exome Variant Server 0.00008; ExAC 0.00012.
gnomAD v4.1: 90 of 1,612,190 alleles (0.0056%); highest among the groups gnomAD compares: East Asian, 0.04%; 1 homozygote.

Submission:

PreventionGenetics, part of Exact Sciences
Classification: Likely benign for PADI6-related condition. Last evaluated: 2019-04-01. Review status: no assertion criteria provided. Collection method: clinical testing. Allele origin: germline.
Comment: This variant is classified as likely benign based on ACMG/AMP sequence variant interpretation guidelines (Richards et al. 2015 PMID: 25741868, with internal and published modifications).